The following is an entry in ClinVar:

NM_005677.4(COLQ):c.1366T>C (p.Ter456Arg)

Gene: COLQ (collagen like tail subunit of asymmetric acetylcholinesterase; minus strand). Cytogenetic location: 3p25.1.
Variant type: single nucleotide variant.
Coding change: c.1366T>C on transcript NM_005677.4 (MANE Select); coding-DNA position 1366, T replaced by C.
Protein change: p.Ter456Arg.
Molecular consequence: stop lost.
Genome position (GRCh38, 1-based): chr3:15,451,646, A>G on the plus strand (T>C on the coding strand, the complement: COLQ is on the minus strand). VCF-style: chr3-15451646-A-G. GRCh37 (hg19) VCF-style: chr3-15493153-A-G.
Other names: *456R; *422R; c.1336T>C, p.Ter446Arg (NM_080538.2); c.1264T>C, p.Ter422Arg (NM_080539.4).
Identifiers: ClinVar variation 632406 (VCV000632406.7), dbSNP rs188841362, ClinGen allele CA2275766.

ClinVar aggregate classification (germline): Uncertain significance (1 of 4 stars; one submission).

Conditions:
Congenital myasthenic syndrome 5. Identifiers: Orphanet 590, MedGen C1864233, MONDO:0011281, OMIM 603034.

Allele frequency attached by ClinVar (database versions not stated): ExAC 0.00001; gnomAD 0.00001; 1000 Genomes Project 30x 0.00016; 1000 Genomes Project 0.00020.
gnomAD v4.1: 87 of 1,614,136 alleles (0.0054%); highest among the groups gnomAD compares: East Asian, 0.19%; 1 homozygote.

Submission:

Labcorp Genetics (formerly Invitae), Labcorp
Classification: Uncertain significance for Congenital myasthenic syndrome 5. Last evaluated: 2023-08-17. Review status: criteria provided, single submitter. Criteria: Invitae Variant Classification Sherloc (09022015). Collection method: clinical testing. Allele origin: germline.
Comment: In summary, the available evidence is currently insufficient to determine the role of this variant in disease. Therefore, it has been classified as a Variant of Uncertain Significance. ClinVar contains an entry for this variant (Variation ID: 632406). This variant has not been reported in the literature in individuals affected with COLQ-related conditions. This variant is not present in population databases (gnomAD no frequency). This sequence change disrupts the translational stop signal of the COLQ mRNA. It is expected to extend the length of the COLQ protein by 3 additional amino acid residues.